The following is an entry in ClinVar:

NM_000112.4(SLC26A2):c.1358C>T (p.Thr453Ile)

Gene: SLC26A2 (solute carrier family 26 member 2; plus strand). Cytogenetic location: 5q32.
Variant type: single nucleotide variant.
Coding change: c.1358C>T on transcript NM_000112.4 (MANE Select); coding-DNA position 1358, C replaced by T.
Protein change: p.Thr453Ile; replaces threonine 453 with isoleucine.
Molecular consequence: missense variant.
Genome position (GRCh38, 1-based): chr5:149,980,951, C>T. VCF-style: chr5-149980951-C-T. GRCh37 (hg19) VCF-style: chr5-149360514-C-T.
Other names: short protein forms T453I.
Identifiers: ClinVar variation 4823936 (VCV004823936.1).

ClinVar aggregate classification (germline): Likely pathogenic (1 of 4 stars; one submission).

Conditions:
Diastrophic dysplasia (DTD). Also called: Diastrophic dwarfism. Identifiers: Orphanet 628, MedGen C0220726, MONDO:0009107, OMIM 222600.

Submission:

Laboratory of Functional Genomics, Research Centre for Medical Genetics
Classification: Likely pathogenic for Diastrophic dysplasia. Last evaluated: 2025-11-25. Review status: criteria provided, single submitter. Criteria: ACMG Guidelines, 2015. Collection method: clinical testing. Allele origin: germline. Inheritance: Autosomal recessive inheritance. Affected: yes. Observed: 1 variant allele.
Comment: This variant does not present in the gnomAD v4.1.0 database. The pathogenic effect of the variant p.(Thr453Ile) is confirmed by the results of more than three in silico prediction programs.